The following is an entry in ClinVar:

ClinVar aggregate classification (germline): Pathogenic. Review status: criteria provided, single submitter (1 of 4 stars). 2 submissions from 2 submitters: Pathogenic (1). 1 of the submissions does not count toward it. Last evaluated 2024-12-04.

Conditions:
Holt-Oram syndrome (HOS). Also called: Ventriculo-radial syndrome; Cardiac-limb syndrome; Heart-hand syndrome, type 1; TBX5-Related Holt-Oram Syndrome. Identifiers: Orphanet 392, MedGen C0265264, MONDO:0007732, OMIM 142900.
Aortic valve disease 2 (AOVD2). Identifiers: MedGen C3542024, MONDO:0013902, OMIM 614823.

Submissions (2):

Labcorp Genetics (formerly Invitae), Labcorp
Classification: Pathogenic for Aortic valve disease 2. Last evaluated: 2024-12-04. Review status: criteria provided, single submitter. Criteria: Invitae Variant Classification Sherloc (09022015). Collection method: clinical testing. Allele origin: germline.
Comment: This sequence change creates a premature translational stop signal (p.Gln290*) in the TBX5 gene. It is expected to result in an absent or disrupted protein product. Loss-of-function variants in TBX5 are known to be pathogenic (PMID: 16183809, 16917909). This variant is not present in population databases (gnomAD no frequency). This variant has not been reported in the literature in individuals affected with TBX5-related conditions. ClinVar contains an entry for this variant (Variation ID: 569967). For these reasons, this variant has been classified as Pathogenic.

Centre de Biologie Pathologie Génétique, Centre Hospitalier Universitaire de Lille
Classification: Pathogenic for Holt-Oram syndrome. Last evaluated: 2018-06-14. Review status: no assertion criteria provided. Collection method: clinical testing. Allele origin: unknown. Affected: yes. Not counted in ClinVar's aggregate classification.

Literature cited by the submitters: PubMed 16183809 (cited by Labcorp Genetics (formerly Invitae), Labcorp); PubMed 16917909 (cited by Labcorp Genetics (formerly Invitae), Labcorp).

NM_181486.4(TBX5):c.868C>T (p.Gln290Ter)

Gene: TBX5 (T-box transcription factor 5; minus strand). Cytogenetic location: 12q24.21.
Variant type: single nucleotide variant.
Coding change: c.868C>T on transcript NM_181486.4 (MANE Select); coding-DNA position 868, C replaced by T.
Protein change: p.Gln290Ter; replaces glutamine 290 with a stop codon.
Molecular consequence: nonsense.
Genome position (GRCh38, 1-based): chr12:114,366,279, G>A on the plus strand (C>T on the coding strand, the complement: TBX5 is on the minus strand). VCF-style: chr12-114366279-G-A. GRCh37 (hg19) VCF-style: chr12-114804084-G-A.
Other names: c.868C>T, p.Gln290Ter (NM_000192.3); c.718C>T, p.Gln240Ter (NM_080717.4); short protein forms Q290*, Q240*.
Identifiers: ClinVar variation 569967 (VCV000569967.8), dbSNP rs1565927747, ClinGen allele CA386926460.